The following is an entry in ClinVar:

NM_153252.5(BRWD3):c.2387C>G (p.Thr796Ser)

Gene: BRWD3 (bromodomain and WD repeat domain containing 3; minus strand). Cytogenetic location: Xq21.1.
Variant type: single nucleotide variant.
Coding change: c.2387C>G on transcript NM_153252.5 (MANE Select); coding-DNA position 2387, C replaced by G.
Protein change: p.Thr796Ser; replaces threonine 796 with serine.
Molecular consequence: missense variant.
Genome position (GRCh38, 1-based): chrX:80,709,516, G>C on the plus strand (C>G on the coding strand, the complement: BRWD3 is on the minus strand). VCF-style: chrX-80709516-G-C. GRCh37 (hg19) VCF-style: chrX-79965015-G-C.
Other names: short protein forms T796S.
Identifiers: ClinVar variation 2634462 (VCV002634462.2), dbSNP rs1188518508, ClinGen allele CA413629427.

ClinVar aggregate classification (germline): Uncertain significance. Review status: criteria provided, multiple submitters, no conflicts (2 of 4 stars). 2 submissions from 2 submitters: Uncertain significance (2). Last evaluated 2026-02-24.

Conditions:
BRWD3-related disorder. Also called: BRWD3-related condition.
Inborn genetic diseases. Identifiers: MedGen C0950123, MeSH D030342.

Allele frequency attached by ClinVar (database versions not stated): gnomAD 0.00001.
gnomAD v4.1: 5 of 1,208,054 alleles (0.00041%); highest among the groups gnomAD compares: Non-Finnish European, 0.00056%; no homozygotes.

Submissions (2):

Ambry Genetics
Classification: Uncertain significance for Inborn genetic diseases. Last evaluated: 2026-02-24. Review status: criteria provided, single submitter. Criteria: Ambry Variant Classification Scheme 2023. Collection method: clinical testing. Allele origin: germline.
Comment: The c.2387C>G (p.T796S) alteration is located in exon 21 (coding exon 21) of the BRWD3 gene. This alteration results from a C to G substitution at nucleotide position 2387, causing the threonine (T) at amino acid position 796 to be replaced by a serine (S). Based on data from gnomAD, the G allele has an overall frequency of <0.001% (1/183418) total alleles studied. The highest observed frequency was 0.001% (1/81888) of European (non-Finnish) alleles. Based on insufficient or conflicting evidence, the clinical significance of this alteration remains unclear.

PreventionGenetics, part of Exact Sciences
Classification: Uncertain significance for BRWD3-related condition. Last evaluated: 2022-10-11. Review status: criteria provided, single submitter. Criteria: ACMG Guidelines, 2015. Collection method: clinical testing. Allele origin: germline.
Comment: The BRWD3 c.2387C>G variant is predicted to result in the amino acid substitution p.Thr796Ser. To our knowledge, this variant has not been reported in the literature. This variant is reported in 0.0012% of alleles in individuals of European (Non-Finnish) descent in gnomAD. At this time, the clinical significance of this variant is uncertain due to the absence of conclusive functional and genetic evidence.